The following is an entry in ClinVar:

ClinVar aggregate classification (germline): Pathogenic/Likely pathogenic. Review status: criteria provided, multiple submitters, no conflicts (2 of 4 stars). 2 submissions from 2 submitters: Pathogenic (1); Likely pathogenic (1). Last evaluated 2026-01-15.

Conditions:
WDR35-related disorder. Also called: WDR35-related disorders; WDR35-related condition. Identifiers: MedGen CN239419.
Cranioectodermal dysplasia 2 (CED2). Identifiers: Orphanet 1515, MedGen C3150874, MONDO:0013323, OMIM 613610.
Short-rib thoracic dysplasia 7 with or without polydactyly (SRTD7). Also called: Short rib polydactyly syndrome 5; SHORT-RIB THORACIC DYSPLASIA 7 WITH POLYDACTYLY. Identifiers: Orphanet 498497, Orphanet 93271, MedGen C3279792, MONDO:0013569, OMIM 614091.

gnomAD v4.1: 41 of 1,613,672 alleles (0.0025%); highest among the groups gnomAD compares: African/African-American, 0.0067%; no homozygotes.

Submissions (2):

3billion
Classification: Pathogenic for WDR35-related disorder. Last evaluated: 2026-01-15. Review status: criteria provided, single submitter. Criteria: ACMG Guidelines, 2015. Collection method: clinical testing. Allele origin: germline. Affected: yes.
Comment: The variant is observed at an extremely low frequency in the gnomAD v4.1.0 dataset (total allele frequency: 0.003%). Predicted Consequence/Location: Stop-gained (nonsense): predicted to result in a loss or disruption of normal protein function through nonsense-mediated decay (NMD) or protein truncation. Multiple pathogenic variants are reported downstream of the variant. The variant has been reported to be associated with WDR35-related disorder (ClinVar ID: VCV003585170). Therefore, this variant is classified as Pathogenic according to the recommendation of ACMG/AMP guideline.

Fulgent Genetics
Classification: Likely pathogenic for Cranioectodermal dysplasia 2; Short-rib thoracic dysplasia 7 with or without polydactyly. Last evaluated: 2024-03-27. Review status: criteria provided, single submitter. Criteria: ACMG Guidelines, 2015. Collection method: clinical testing. Allele origin: germline.

NM_020779.4(WDR35):c.1744C>T (p.Arg582Ter)

Gene: WDR35 (WD repeat domain 35; minus strand). Cytogenetic location: 2p24.1.
Variant type: single nucleotide variant.
Coding change: c.1744C>T on transcript NM_020779.4 (MANE Select); coding-DNA position 1744, C replaced by T.
Protein change: p.Arg582Ter; replaces arginine 582 with a stop codon.
Molecular consequence: nonsense.
Genome position (GRCh38, 1-based): chr2:19,945,887, G>A on the plus strand (C>T on the coding strand, the complement: WDR35 is on the minus strand). VCF-style: chr2-19945887-G-A. GRCh37 (hg19) VCF-style: chr2-20145648-G-A.
Other names: c.1777C>T, p.Arg593Ter (NM_001006657.2); short protein forms R582*, R593*.
Identifiers: ClinVar variation 3585170 (VCV003585170.2), dbSNP rs778613849.
Genomic context (GRCh38, chr2:19,945,887, plus strand): 5'-CCATCATTGCAAACAAATCAGGATTATCTTTGGCCCACTTCATATCCCAGACATCTCTTC[G>A]TTCCAATTTTAACAACTCTCCAACTACTTGCTGTCCCGTACTGTCCGTTACTCGAGCATC-3'